The following is an entry in ClinVar:

ClinVar aggregate classification (germline): Benign. Review status: criteria provided, multiple submitters, no conflicts (2 of 4 stars). 4 submissions from 4 submitters: Benign (3). 1 of the submissions does not count toward it. Last evaluated 2026-01-27.

Allele frequency attached by ClinVar (database versions not stated): gnomAD 0.03261 and 0.03564; ESP Exome Variant Server 0.02837; TOPMed 0.03518; 1000 Genomes Project 30x 0.05403; 1000 Genomes Project 0.05791; gnomAD exomes 0.04766; ExAC 0.04768.
gnomAD v4.1: 71,744 of 1,614,162 alleles (4.4%); highest among the groups gnomAD compares: East Asian, 17%; 2,196 homozygotes.

Submissions (4):

Labcorp Genetics (formerly Invitae), Labcorp
Classification: Benign. Last evaluated: 2026-01-27. Review status: criteria provided, single submitter. Criteria: Invitae Variant Classification Sherloc (09022015). Collection method: clinical testing. Allele origin: germline.

GeneDx
Classification: Benign. Last evaluated: 2020-03-30. Review status: criteria provided, single submitter. Criteria: GeneDx Variant Classification Process June 2021. Collection method: clinical testing. Allele origin: germline. Affected: yes.
Comment: This variant is associated with the following publications: (PMID: 24965397)

Breakthrough Genomics
Classification: Benign. Review status: criteria provided, single submitter. Criteria: ACMG Guidelines, 2015. Collection method: not provided. Allele origin: germline. Inheritance: Autosomal dominant inheritance. Affected: yes.

ITMI
No classification provided. Condition: AllHighlyPenetrant. Last evaluated: 2013-09-19. Review status: no classification provided. Collection method: reference population. Allele origin: germline. Not counted in ClinVar's aggregate classification.
Comment: Please see associated publication for description of ethnicities

Literature cited by the submitters: PubMed 24728327 (cited by ITMI).

NM_170606.3(KMT2C):c.10979C>T (p.Ser3660Leu)

Gene: KMT2C (lysine methyltransferase 2C; minus strand). Cytogenetic location: 7q36.1.
Variant type: single nucleotide variant.
Coding change: c.10979C>T on transcript NM_170606.3 (MANE Select); coding-DNA position 10979, C replaced by T.
Protein change: p.Ser3660Leu; replaces serine 3660 with leucine.
Molecular consequence: missense variant.
Genome position (GRCh38, 1-based): chr7:152,162,598, G>A on the plus strand (C>T on the coding strand, the complement: KMT2C is on the minus strand). VCF-style: chr7-152162598-G-A. GRCh37 (hg19) VCF-style: chr7-151859683-G-A.
Other names: short protein forms S3660L.
Identifiers: ClinVar variation 134792 (VCV000134792.14), dbSNP rs74483926, ClinGen allele CA160753.